The following is an entry in ClinVar:

ClinVar aggregate classification (germline): Likely benign (1 of 4 stars; one submission).

Allele frequency attached by ClinVar (database versions not stated): TOPMed 0.00002 and 0.00001; gnomAD 0.00001.
gnomAD v4.1: 1 of 1,430,396 alleles (0.00007%); highest among the groups gnomAD compares: African/African-American, 0.0014%; no homozygotes.

Submission:

GeneDx
Classification: Likely benign. Last evaluated: 2017-03-15. Review status: criteria provided, single submitter. Criteria: GeneDx Variant Classification (06012015). Collection method: clinical testing. Allele origin: germline. Affected: yes.
Comment: This variant is considered likely benign or benign based on one or more of the following criteria: it is a conservative change, it occurs at a poorly conserved position in the protein, it is predicted to be benign by multiple in silico algorithms, and/or has population frequency not consistent with disease.

NM_001194998.2(CEP152):c.1908+20A>T

Gene: CEP152 (centrosomal protein 152; minus strand). Cytogenetic location: 15q21.1.
Variant type: single nucleotide variant.
Coding change: c.1908+20A>T on transcript NM_001194998.2 (MANE Select); 20 bases into the intron after coding-DNA position 1908, A replaced by T.
Molecular consequence: intron variant.
Genome position (GRCh38, 1-based): chr15:48,768,936, T>A on the plus strand (A>T on the coding strand, the complement: CEP152 is on the minus strand). VCF-style: chr15-48768936-T-A. GRCh37 (hg19) VCF-style: chr15-49061133-T-A.
Other names: c.1908+20A>T (NM_014985.4).
Identifiers: ClinVar variation 507912 (VCV000507912.1), dbSNP rs945438483, ClinGen allele CA269552505.